The following is an entry in ClinVar:

NM_003036.4(SKI):c.570C>T (p.Leu190=)

Gene: SKI (SKI proto-oncogene; plus strand). Cytogenetic location: 1p36.33.
Variant type: single nucleotide variant.
Coding change: c.570C>T on transcript NM_003036.4 (MANE Select); coding-DNA position 570, C replaced by T.
Protein change: p.Leu190=; no amino-acid change (leucine 190 retained).
Molecular consequence: synonymous variant.
Genome position (GRCh38, 1-based): chr1:2,229,336, C>T. VCF-style: chr1-2229336-C-T. GRCh37 (hg19) VCF-style: chr1-2160775-C-T.
Identifiers: ClinVar variation 515819 (VCV000515819.4), dbSNP rs1253539827, ClinGen allele CA415774508.

ClinVar aggregate classification (germline): Likely benign. Review status: criteria provided, multiple submitters, no conflicts (2 of 4 stars). 2 submissions from 2 submitters: Likely benign (2). Last evaluated 2025-04-14.

Conditions:
Shprintzen-Goldberg syndrome (SGS). Also called: CRANIOSYNOSTOSIS WITH ARACHNODACTYLY AND ABDOMINAL HERNIAS; Marfanoid disorder with craniosynostosis type 1; Marfanoid craniosynostosis syndrome; Shprintzen-Goldberg marfanoid syndrome; SHPRINTZEN-GOLDBERG CRANIOSYNOSTOSIS SYNDROME. Identifiers: Orphanet 2462, MedGen C1321551, MONDO:0008426, OMIM 182212.

Allele frequency attached by ClinVar (database versions not stated): gnomAD exomes below 0.00001.
gnomAD v4.1: 1 of 1,595,450 alleles (0.000063%); highest among the groups gnomAD compares: Admixed American, 0.0017%; no homozygotes.

Submissions (2):

Labcorp Genetics (formerly Invitae), Labcorp
Classification: Likely benign for Shprintzen-Goldberg syndrome. Last evaluated: 2025-04-14. Review status: criteria provided, single submitter. Criteria: Invitae Variant Classification Sherloc (09022015). Collection method: clinical testing. Allele origin: germline.

GeneDx
Classification: Likely benign. Last evaluated: 2018-03-06. Review status: criteria provided, single submitter. Criteria: GeneDx Variant Classification (06012015). Collection method: clinical testing. Allele origin: germline. Affected: yes.
Comment: This variant is considered likely benign or benign based on one or more of the following criteria: it is a conservative change, it occurs at a poorly conserved position in the protein, it is predicted to be benign by multiple in silico algorithms, and/or has population frequency not consistent with disease.